The following is an entry in ClinVar:

ClinVar aggregate classification (germline): Uncertain significance (1 of 4 stars; one submission).

Conditions:
Neurodevelopmental disorder. Identifiers: MedGen C1535926, MeSH D065886, MONDO:0700092.

Submission:

Victorian Clinical Genetics Services, Murdoch Childrens Research Institute
Classification: Uncertain significance for Neurodevelopmental disorder. Last evaluated: 2023-12-21. Review status: criteria provided, single submitter. Criteria: ACMG Guidelines, 2015. Collection method: clinical testing. Allele origin: germline. Inheritance: Autosomal dominant inheritance. Affected: yes.
Comment: Based on the classification scheme VCGS_Germline_v1.3.4, this variant is classified as VUS-3B. Following criteria are met: 0105 - The mechanism of disease for this gene is not clearly established. (I) 0107 - This gene is associated with autosomal dominant disease. Variants associated with retinitis pigmentosa 13 (MIM#600059) are primarily within the C-terminal of Jab1/MPN domain, while variants associated with neurodevelopmental disorder (MONDO:0700092), PRPF8-related, are located throughout the protein (PMID: 29087248, 35543142). (I) 0115 - Variants in this gene are known to have variable expressivity. Variable expressivity has been reported in families with retinitis pigmentosa (PMIDs: 22039234, 29087248). (I) 0200 - Variant is predicted to result in a missense amino acid change from glutamine to arginine. (I) 0251 - This variant is heterozygous. (I) 0301 - Variant is absent from gnomAD (both v2 and v3). (SP) 0502 - Missense variant with conflicting in silico predictions and uninformative conservation. (I) 0604 - Variant is not located in an established domain, motif, hotspot or informative constraint region. (I) 0705 - No comparable missense variants have previous evidence for pathogenicity. (I) 0807 - This variant has no previous evidence of pathogenicity. (I) 0905 - No published segregation evidence has been identified for this variant. (I) 1007 - No published functional evidence has been identified for this variant. (I) 1208 - Inheritance information for this variant is not currently available in this individual. (I) Legend: (SP) - Supporting pathogenic, (I) - Information, (SB) - Supporting benign

Literature cited by the submitters: PubMed 22039234; PubMed 29087248; PubMed 35543142.

NM_006445.4(PRPF8):c.6065A>G (p.Gln2022Arg)

Gene: PRPF8 (pre-mRNA processing factor 8; minus strand). Cytogenetic location: 17p13.3.
Variant type: single nucleotide variant.
Coding change: c.6065A>G on transcript NM_006445.4 (MANE Select); coding-DNA position 6065, A replaced by G.
Protein change: p.Gln2022Arg; replaces glutamine 2022 with arginine.
Molecular consequence: missense variant.
Genome position (GRCh38, 1-based): chr17:1,653,939, T>C on the plus strand (A>G on the coding strand, the complement: PRPF8 is on the minus strand). VCF-style: chr17-1653939-T-C. GRCh37 (hg19) VCF-style: chr17-1557233-T-C.
Other names: short protein forms Q2022R.
Identifiers: ClinVar variation 3376863 (VCV003376863.1).